The following is an entry in ClinVar:

ClinVar aggregate classification (germline): Uncertain significance (1 of 4 stars; one submission).

Allele frequency attached by ClinVar (database versions not stated): gnomAD 0.00002; TOPMed 0.00003.
gnomAD v4.1: 149 of 1,612,338 alleles (0.0092%); highest among the groups gnomAD compares: Non-Finnish European, 0.011%; no homozygotes.

Submission:

Mayo Clinic Laboratories, Mayo Clinic
Classification: Uncertain significance. Last evaluated: 2022-01-20. Review status: criteria provided, single submitter. Criteria: ACMG Guidelines, 2015. Collection method: clinical testing. Allele origin: germline. Observed: 1 variant allele.
Comment: BP4, PM2

NM_000262.3(NAGA):c.308C>G (p.Pro103Arg)

Genes: NAGA (alpha-N-acetylgalactosaminidase; minus strand), LOC126863160 (CDK7 strongly-dependent group 2 enhancer GRCh37_chr22:42462918-42464117; plus strand). Cytogenetic location: 22q13.2.
Variant type: single nucleotide variant.
Coding change: c.308C>G on transcript NM_000262.3 (MANE Select); coding-DNA position 308, C replaced by G.
Protein change: p.Pro103Arg; replaces proline 103 with arginine.
Molecular consequence: missense variant.
Genome position (GRCh38, 1-based): chr22:42,067,781, G>C on the plus strand (C>G on the coding strand, the complement: NAGA is on the minus strand). VCF-style: chr22-42067781-G-C. GRCh37 (hg19) VCF-style: chr22-42463785-G-C.
Other names: p.Pro103Arg; c.308C>G, p.Pro103Arg (NM_001362848.1, NM_001362850.1); short protein forms P103R.
Identifiers: ClinVar variation 2683577 (VCV002683577.1), dbSNP rs766999974, ClinGen allele CA10263876.